The following is an entry in ClinVar:

ClinVar aggregate classification (germline): Uncertain significance. Review status: criteria provided, multiple submitters, no conflicts (2 of 4 stars). 2 submissions from 2 submitters: Uncertain significance (2). Last evaluated 2025-03-07.

Conditions:
Shprintzen-Goldberg syndrome (SGS). Also called: Marfanoid disorder with craniosynostosis type 1; Marfanoid craniosynostosis syndrome; Shprintzen-Goldberg marfanoid syndrome; SHPRINTZEN-GOLDBERG CRANIOSYNOSTOSIS SYNDROME; CRANIOSYNOSTOSIS WITH ARACHNODACTYLY AND ABDOMINAL HERNIAS. Identifiers: Orphanet 2462, MedGen C1321551, MONDO:0008426, OMIM 182212.
Familial thoracic aortic aneurysm and aortic dissection (TAAD). Also called: Thoracic aortic aneurysms and dissections. Identifiers: Orphanet 91387, MedGen C4707243, MONDO:0019625.

gnomAD v4.1: 4 of 1,613,662 alleles (0.00025%); highest among the groups gnomAD compares: East Asian, 0.0089%; no homozygotes.

Submissions (2):

Ambry Genetics
Classification: Uncertain significance for Familial thoracic aortic aneurysm and aortic dissection. Last evaluated: 2025-03-07. Review status: criteria provided, single submitter. Criteria: Ambry Variant Classification Scheme 2023. Collection method: clinical testing. Allele origin: germline.

Labcorp Genetics (formerly Invitae), Labcorp
Classification: Uncertain significance for Shprintzen-Goldberg syndrome. Last evaluated: 2020-08-03. Review status: criteria provided, single submitter. Criteria: Invitae Variant Classification Sherloc (09022015). Collection method: clinical testing. Allele origin: germline.
Comment: In summary, the available evidence is currently insufficient to determine the role of this variant in disease. Therefore, it has been classified as a Variant of Uncertain Significance. Advanced modeling of protein sequence and biophysical properties (such as structural, functional, and spatial information, amino acid conservation, physicochemical variation, residue mobility, and thermodynamic stability) performed at Invitae indicates that this missense variant is not expected to disrupt SKI protein function. This variant has not been reported in the literature in individuals with SKI-related conditions. This variant is present in population databases (rs755862763, ExAC 0.02%). This sequence change replaces proline with threonine at codon 352 of the SKI protein (p.Pro352Thr). The proline residue is weakly conserved and there is a small physicochemical difference between proline and threonine.

NM_003036.4(SKI):c.1054C>A (p.Pro352Thr)

Gene: SKI (SKI proto-oncogene; plus strand). Cytogenetic location: 1p36.32.
Variant type: single nucleotide variant.
Coding change: c.1054C>A on transcript NM_003036.4 (MANE Select); coding-DNA position 1054, C replaced by A.
Protein change: p.Pro352Thr; replaces proline 352 with threonine.
Molecular consequence: missense variant.
Genome position (GRCh38, 1-based): chr1:2,303,062, C>A. VCF-style: chr1-2303062-C-A. GRCh37 (hg19) VCF-style: chr1-2234501-C-A.
Other names: short protein forms P352T.
Identifiers: ClinVar variation 1057237 (VCV001057237.12), dbSNP rs755862763, ClinGen allele CA536542.